The following is an entry in ClinVar:

ClinVar aggregate classification (germline): Pathogenic. Review status: criteria provided, multiple submitters, no conflicts (2 of 4 stars). 7 submissions from 7 submitters: Pathogenic (6). 1 of the submissions does not count toward it. Last evaluated 2025-12-12.

Conditions:
Becker muscular dystrophy (BMD). Also called: Becker Muscular Dystrophy (BMD); MUSCULAR DYSTROPHY, PSEUDOHYPERTROPHIC PROGRESSIVE, BECKER TYPE. Identifiers: Orphanet 98895, MedGen C0917713, MONDO:0010311, OMIM 300376.
Duchenne muscular dystrophy (DMD). Also called: Duchenne Muscular Dystrophy (DMD); MUSCULAR DYSTROPHY, PSEUDOHYPERTROPHIC PROGRESSIVE, DUCHENNE TYPE. Identifiers: Orphanet 98896, MedGen C0013264, MONDO:0010679, OMIM 310200.
Cardiomyopathy (CMYO). Also called: Cardiomyopathies. Identifiers: Orphanet 167848, MedGen C0878544, MONDO:0004994, HP:0001638. Inheritance: Various modes of inheritance.
Dystrophin deficiency.
Neuromuscular disease caused by qualitative or quantitative defects of dystrophin. Also called: Qualitative or quantitative defects of dystrophin. Identifiers: Orphanet 207085, MedGen C5679787, MONDO:0016147.

Submissions (7):

GeneDx
Classification: Pathogenic. Last evaluated: 2025-12-12. Review status: criteria provided, single submitter. Criteria: GeneDx Variant Classification Process June 2021. Collection method: clinical testing. Allele origin: germline. Affected: yes.
Comment: Frameshift variant predicted to result in protein truncation or nonsense mediated decay in a gene for which loss of function is a known mechanism of disease; Not observed at significant frequency in large population cohorts (gnomAD); This variant is associated with the following publications: (PMID: 23757202, 15643612, 25244321, 25003237, 27122458, 19937601, 39674649)

Women's Health and Genetics/Laboratory Corporation of America, LabCorp
Classification: Pathogenic for Neuromuscular disease caused by qualitative or quantitative defects of dystrophin. Last evaluated: 2025-02-03. Review status: criteria provided, single submitter. Criteria: LabCorp Variant Classification Summary - May 2015. Collection method: clinical testing. Allele origin: germline.
Comment: Variant summary: DMD c.2281_2285delGAAAA (p.Glu761SerfsX10) results in a premature termination codon, predicted to cause a truncation of the encoded protein or absence of the protein due to nonsense mediated decay, which are commonly known mechanisms for disease. The variant was absent in 183215 control chromosomes. c.2281_2285delGAAAA has been reported in the presumed hemizygous state in at least 1 individual affected with Duchenne Muscular Dystrophy (example, de Almeida_2017). To our knowledge no experimental evidence demonstrating its impact on protein function have been reported. The following publication has been ascertained in the context of this evaluation (PMID: 28116794). ClinVar contains an entry for this variant (Variation ID: 94500). Based on the evidence outlined above, the variant was classified as pathogenic.

Labcorp Genetics (formerly Invitae), Labcorp
Classification: Pathogenic for Duchenne muscular dystrophy. Last evaluated: 2023-05-23. Review status: criteria provided, single submitter. Criteria: Invitae Variant Classification Sherloc (09022015). Collection method: clinical testing. Allele origin: germline.
Comment: For these reasons, this variant has been classified as Pathogenic. ClinVar contains an entry for this variant (Variation ID: 94500). This premature translational stop signal has been observed in individual(s) with Duchenne or Becker muscular dystrophy (PMID: 15643612, 21515508, 25244321, 27122458). In at least one individual the variant was observed to be de novo. This variant is not present in population databases (gnomAD no frequency). This sequence change creates a premature translational stop signal (p.Glu761Serfs*10) in the DMD gene. It is expected to result in an absent or disrupted protein product. Loss-of-function variants in DMD are known to be pathogenic (PMID: 16770791, 25007885).

Institute of Medical Genetics and Applied Genomics, University Hospital Tübingen
Classification: Pathogenic. Last evaluated: 2020-10-23. Review status: criteria provided, single submitter. Criteria: ACMG Guidelines, 2015. Collection method: clinical testing. Allele origin: germline. Inheritance: X-linked recessive inheritance. Affected: yes.

Revvity Omics, Revvity
Classification: Pathogenic. Last evaluated: 2020-06-26. Review status: criteria provided, single submitter. Criteria: ACMG Guidelines, 2015. Collection method: clinical testing. Allele origin: germline.

Eurofins Ntd Llc (ga)
Classification: Pathogenic. Last evaluated: 2017-08-21. Review status: criteria provided, single submitter. Criteria: EGL Classification Definitions 2015. Collection method: clinical testing. Allele origin: germline. Observed: 4 variant alleles, 1 heterozygote, 3 hemizygotes.

Natera, Inc.
Classification: Pathogenic for Becker muscular dystrophy; Cardiomyopathy; Duchenne muscular dystrophy; Dystrophin deficiency. Last evaluated: 2017-03-16. Review status: no assertion criteria provided. Collection method: clinical testing. Allele origin: germline. Not counted in ClinVar's aggregate classification.

Literature cited by the submitters: PubMed 28116794 (cited by Women's Health and Genetics/Laboratory Corporation of America, LabCorp); PubMed 15643612 (cited by Labcorp Genetics (formerly Invitae), Labcorp); PubMed 21515508 (cited by Labcorp Genetics (formerly Invitae), Labcorp); PubMed 25244321 (cited by Labcorp Genetics (formerly Invitae), Labcorp); PubMed 27122458 (cited by Labcorp Genetics (formerly Invitae), Labcorp); PubMed 16770791 (cited by Labcorp Genetics (formerly Invitae), Labcorp); PubMed 25007885 (cited by Labcorp Genetics (formerly Invitae), Labcorp).

NM_004006.3(DMD):c.2281_2285del (p.Glu761fs)

Gene: DMD (dystrophin; minus strand). Cytogenetic location: Xp21.1.
Variant type: Deletion.
Coding change: c.2281_2285del on transcript NM_004006.3 (MANE Select); coding-DNA positions 2281 to 2285, 5 bases deleted (GAAAA; older notation c.2281_2285delGAAAA).
Protein change: p.Glu761fs; shifts the reading frame from glutamic acid 761.
Molecular consequence: frameshift variant.
Genome position (GRCh38, 1-based): chrX:32,518,015-32,518,019, TTTTC deleted on the plus strand (GAAAA on the coding strand, the reverse complement: DMD is on the minus strand); deleting any 5 consecutive bases within chrX:32,518,015-32,518,023 gives the same sequence; the c. name uses the placement nearest the transcript's 3' end. VCF-style (leftmost placement, unchanged base first): chrX-32518014-TTTTTC-T. GRCh37 (hg19) VCF-style: chrX-32536131-TTTTTC-T.
Other names: c.2281_2285delGAAAA (NM_004006.3, NM_004006.2); c.2257_2261del, p.Glu753fs (NM_000109.4); c.2269_2273del, p.Glu757fs (NM_004009.3); c.1912_1916del, p.Glu638fs (NM_004010.3); short protein forms E638fs, E757fs, E753fs, E761fs.
Identifiers: ClinVar variation 94500 (VCV000094500.22), dbSNP rs398123881, ClinGen allele CA266926.
Genomic context (GRCh38, chrX:32,518,014, plus strand): 5'-AGTTTACAAGCAGCACAAAATGAGTACAGATATAAAAATTAATGCATAACCTACATTGAC[TTTTTC>T]TTTTAAGTCTGAGAAGTTGCCTTCCTTCCGAAAGATTGCAAATTCAGGACTCTGCAACAC-3'